The following is an entry in ClinVar:

ClinVar aggregate classification (germline): Conflicting classifications of pathogenicity. Review status: criteria provided, conflicting classifications (1 of 4 stars). 4 submissions from 4 submitters: Uncertain significance (1); Likely benign (2). 1 of the submissions does not count toward it. Last evaluated 2024-11-05.

Conditions:
FUT8-related disorder. Also called: FUT8-related condition.
Congenital disorder of glycosylation with defective fucosylation 1 (CDGF1). Identifiers: MedGen CN258220, MONDO:0020775, OMIM 618005.

Allele frequency attached by ClinVar (database versions not stated): gnomAD exomes 0.00006; ExAC 0.00020; gnomAD 0.00060; ESP Exome Variant Server 0.00062; TOPMed 0.00078; 1000 Genomes Project 0.00100; 1000 Genomes Project 30x 0.00125.
gnomAD v4.1: 182 of 1,612,796 alleles (0.011%); highest among the groups gnomAD compares: African/African-American, 0.21%; 1 homozygote.

Submissions (4):

Labcorp Genetics (formerly Invitae), Labcorp
Classification: Likely benign. Last evaluated: 2024-11-05. Review status: criteria provided, single submitter. Criteria: Invitae Variant Classification Sherloc (09022015). Collection method: clinical testing. Allele origin: germline.

Fulgent Genetics
Classification: Uncertain significance for Congenital disorder of glycosylation with defective fucosylation 1. Last evaluated: 2024-06-10. Review status: criteria provided, single submitter. Criteria: ACMG Guidelines, 2015. Collection method: clinical testing. Allele origin: germline.

Blueprint Genetics
Classification: Likely benign. Last evaluated: 2023-11-28. Review status: criteria provided, single submitter. Criteria: ACMG Guidelines, 2015. Collection method: clinical testing. Allele origin: germline.

PreventionGenetics, part of Exact Sciences
Classification: Likely benign for FUT8-related condition. Last evaluated: 2023-01-26. Review status: no assertion criteria provided. Collection method: clinical testing. Allele origin: germline. Not counted in ClinVar's aggregate classification.
Comment: This variant is classified as likely benign based on ACMG/AMP sequence variant interpretation guidelines (Richards et al. 2015 PMID: 25741868, with internal and published modifications).

NM_001371533.1(FUT8):c.1649C>T (p.Thr550Met)

Gene: FUT8 (fucosyltransferase 8; plus strand). Cytogenetic location: 14q23.3.
Variant type: single nucleotide variant.
Coding change: c.1649C>T on transcript NM_001371533.1 (MANE Select); coding-DNA position 1649, C replaced by T.
Protein change: p.Thr550Met; replaces threonine 550 with methionine.
Molecular consequence: missense variant. On other transcripts: non-coding transcript variant (1).
Genome position (GRCh38, 1-based): chr14:65,742,331, C>T. VCF-style: chr14-65742331-C-T. GRCh37 (hg19) VCF-style: chr14-66209049-C-T.
Other names: c.1649C>T (NM_178155.2); c.1649C>T, p.Thr550Met (NM_001371534.1, NM_178155.3, NM_178156.2); c.1751C>T, p.Thr584Met (NM_001371536.1); c.1160C>T, p.Thr387Met (NM_004480.4); short protein forms T550M, T584M, T387M.
Identifiers: ClinVar variation 2888926 (VCV002888926.7), dbSNP rs149328619, ClinGen allele CA7233487.